The following is an entry in ClinVar:

NM_001388308.1(KIF12):c.582T>C (p.Tyr194=)

Gene: KIF12 (kinesin family member 12; minus strand). Cytogenetic location: 9q32.
Variant type: single nucleotide variant.
Coding change: c.582T>C on transcript NM_001388308.1 (MANE Select); coding-DNA position 582, T replaced by C.
Protein change: p.Tyr194=; no amino-acid change (tyrosine 194 retained).
Molecular consequence: synonymous variant.
Genome position (GRCh38, 1-based): chr9:114,097,365, A>G on the plus strand (T>C on the coding strand, the complement: KIF12 is on the minus strand). VCF-style: chr9-114097365-A-G. GRCh37 (hg19) VCF-style: chr9-116859645-A-G.
Other names: c.168T>C, p.Tyr56= (NM_138424.2).
Identifiers: ClinVar variation 4992150 (VCV004992150.1).

ClinVar aggregate classification (germline): Likely benign (1 of 4 stars; one submission).

Conditions:
KIF12-related disorder. Also called: KIF12-related condition.

gnomAD v4.1: 1 of 1,610,008 alleles (0.000062%); highest among the groups gnomAD compares: Non-Finnish European, 0.000085%; no homozygotes.

Submission:

PreventionGenetics, part of Exact Sciences
Classification: Likely benign for KIF12-related condition. Last evaluated: 2026-05-16. Review status: criteria provided, single submitter. Criteria: ACMG Guidelines, 2015. Collection method: clinical testing. Allele origin: germline.
Comment: This variant is classified as likely benign based on ACMG/AMP sequence variant interpretation guidelines (Richards et al. 2015 PMID: 25741868, with internal and published modifications).